The following is an entry in ClinVar:

NM_000257.4(MYH7):c.5559+67A>T

Gene: MYH7 (myosin heavy chain 7; minus strand). Cytogenetic location: 14q11.2.
Variant type: single nucleotide variant.
Coding change: c.5559+67A>T on transcript NM_000257.4 (MANE Select); 67 bases into the intron after coding-DNA position 5559, A replaced by T.
Molecular consequence: intron variant.
Genome position (GRCh38, 1-based): chr14:23,414,928, T>A on the plus strand (A>T on the coding strand, the complement: MYH7 is on the minus strand). VCF-style: chr14-23414928-T-A. GRCh37 (hg19) VCF-style: chr14-23884137-T-A.
Identifiers: ClinVar variation 671941 (VCV000671941.2), dbSNP rs3729832, ClinGen allele CA13987555.

ClinVar aggregate classification (germline): Benign. Review status: criteria provided, multiple submitters, no conflicts (2 of 4 stars). 2 submissions from 2 submitters: Benign (2). Last evaluated 2018-06-14.

Allele frequency attached by ClinVar (database versions not stated): 1000 Genomes Project 0.11681; 1000 Genomes Project 30x 0.11946; gnomAD exomes 0.12283; gnomAD 0.14016 and 0.14437; TOPMed 0.14669.
gnomAD v4.1: 198,888 of 1,599,480 alleles (12%); highest among the groups gnomAD compares: African/African-American, 22%; 13,449 homozygotes.

Submissions (2):

GeneDx
Classification: Benign. Last evaluated: 2018-06-14. Review status: criteria provided, single submitter. Criteria: GeneDx Variant Classification (06012015). Collection method: clinical testing. Allele origin: germline. Affected: yes.
Comment: This variant is considered likely benign or benign based on one or more of the following criteria: it is a conservative change, it occurs at a poorly conserved position in the protein, it is predicted to be benign by multiple in silico algorithms, and/or has population frequency not consistent with disease.

Breakthrough Genomics
Classification: Benign. Review status: criteria provided, single submitter. Criteria: ACMG Guidelines, 2015. Collection method: not provided. Allele origin: germline. Inheritance: Autosomal recessive inheritance. Affected: yes.